The following is an entry in ClinVar:

ClinVar aggregate classification (germline): Pathogenic. Review status: reviewed by expert panel (3 of 4 stars). 4 submissions from 4 submitters: Pathogenic (1). 3 of the submissions do not count toward it. Last evaluated 2013-09-05.

Conditions:
Hereditary cancer-predisposing syndrome. Also called: Tumor predisposition; Hereditary Cancer Syndrome; Hereditary neoplastic syndrome; Neoplastic Syndromes, Hereditary. Identifiers: Orphanet 140162, MedGen C0027672, MeSH D009386, MONDO:0015356.
Lynch syndrome. Identifiers: Orphanet 144, MedGen C4552100, MONDO:0005835. Disease mechanism: loss of function.
Lynch syndrome 5 (LYNCH5). Also called: Colorectal cancer, hereditary nonpolyposis, type 5; Hereditary non-polyposis colorectal cancer, type 5. Identifiers: Orphanet 144, MedGen C1833477, MONDO:0013710, OMIM 614350. Disease mechanism: loss of function.
Hereditary nonpolyposis colorectal neoplasms. Identifiers: MedGen C0009405, MeSH D003123.

Submissions (4):

International Society for Gastrointestinal Hereditary Tumours (InSiGHT)
Classification: Pathogenic for Lynch Syndrome. Last evaluated: 2013-09-05. Review status: reviewed by expert panel. Criteria: Guidelines v1.9. Collection method: research. Allele origin: germline.
Comment: Coding sequence variation resulting in a stop codon

Classified with v1.9 guidelines

Ambry Genetics
Classification: Pathogenic for Hereditary cancer-predisposing syndrome. Last evaluated: 2024-12-15. Review status: criteria provided, single submitter. Criteria: Ambry Variant Classification Scheme 2023. Collection method: clinical testing. Allele origin: germline. Not counted in ClinVar's aggregate classification.
Comment: The c.2045_2046delCT pathogenic mutation, located in coding exon 4 of the MSH6 gene, results from a deletion of two nucleotides at nucleotide positions 2045 to 2046, causing a translational frameshift with a predicted alternate stop codon (p.S682Cfs*15). This mutation has been reported in a Danish family with Lynch syndrome (Nilbert M et al. Fam. Cancer 2009 Jun;8:75-83; Okkels H et al. Appl. Immunohistochem. Mol. Morphol., 2012 Oct;20:470-7; Klarskov L et al. Am. J. Surg. Pathol., 2011 Sep;35:1391-9). This variant is considered to be rare based on population cohorts in the Genome Aggregation Database (gnomAD). In addition to the clinical data presented in the literature, this alteration is expected to result in loss of function by premature protein truncation or nonsense-mediated mRNA decay. As such, this alteration is interpreted as a disease-causing mutation.

Labcorp Genetics (formerly Invitae), Labcorp
Classification: Pathogenic for Hereditary nonpolyposis colorectal neoplasms. Last evaluated: 2023-10-23. Review status: criteria provided, single submitter. Criteria: Invitae Variant Classification Sherloc (09022015). Collection method: clinical testing. Allele origin: germline. Not counted in ClinVar's aggregate classification.
Comment: This sequence change creates a premature translational stop signal (p.Ser682Cysfs*15) in the MSH6 gene. It is expected to result in an absent or disrupted protein product. Loss-of-function variants in MSH6 are known to be pathogenic (PMID: 18269114, 24362816). This variant is not present in population databases (gnomAD no frequency). This premature translational stop signal has been observed in individual(s) with Lynch syndrome (PMID: 18566915). ClinVar contains an entry for this variant (Variation ID: 89242). For these reasons, this variant has been classified as Pathogenic.

Myriad Genetics, Inc.
Classification: Pathogenic for Lynch syndrome 5. Last evaluated: 2023-08-16. Review status: criteria provided, single submitter. Criteria: Myriad Autosomal Dominant, Autosomal Recessive and X-Linked Classification Criteria (2023). Collection method: clinical testing. Allele origin: unknown. Not counted in ClinVar's aggregate classification.
Comment: This variant is considered pathogenic. This variant creates a frameshift predicted to result in premature protein truncation.

Literature cited by the submitters: PubMed 18566915 (cited by Ambry Genetics and Labcorp Genetics (formerly Invitae), Labcorp); PubMed 21836479 (cited by Ambry Genetics); PubMed 22495361 (cited by Ambry Genetics); PubMed 29967336 (cited by Ambry Genetics); PubMed 18269114 (cited by Labcorp Genetics (formerly Invitae), Labcorp); PubMed 24362816 (cited by Labcorp Genetics (formerly Invitae), Labcorp).

NM_000179.3(MSH6):c.2045_2046del (p.Ser682fs)

Gene: MSH6 (mutS homolog 6; plus strand). Cytogenetic location: 2p16.3.
Variant type: Microsatellite.
Coding change: c.2045_2046del on transcript NM_000179.3 (MANE Select); coding-DNA positions 2045 to 2046, 2 bases deleted (CT; older notation c.2045_2046delCT).
Protein change: p.Ser682fs; shifts the reading frame from serine 682.
Molecular consequence: frameshift variant.
Genome position (GRCh38, 1-based): chr2:47,800,028-47,800,029, CT deleted; deleting any 2 consecutive bases within chr2:47,800,024-47,800,029 gives the same sequence; the c. name uses the placement nearest the transcript's 3' end. VCF-style (leftmost placement, unchanged base first): chr2-47800023-CCT-C. GRCh37 (hg19) VCF-style: chr2-48027162-CCT-C.
Other names: c.1655_1656del, p.Ser552fs (NM_001281492.2); c.1139_1140del, p.Ser380fs (NM_001281493.2, NM_001281494.2); c.2045_2046delCT (NM_000179.2); short protein forms S380fs, S552fs, S682fs.
Identifiers: ClinVar variation 89242 (VCV000089242.11), dbSNP rs267608057, ClinGen allele CA009593.